The following is an entry in ClinVar:

NM_003630.3(PEX3):c.857G>A (p.Arg286Gln)

Gene: PEX3 (peroxisomal biogenesis factor 3; plus strand). Cytogenetic location: 6q24.2.
Variant type: single nucleotide variant.
Coding change: c.857G>A on transcript NM_003630.3 (MANE Select); coding-DNA position 857, G replaced by A.
Protein change: p.Arg286Gln; replaces arginine 286 with glutamine.
Molecular consequence: missense variant.
Genome position (GRCh38, 1-based): chr6:143,479,114, G>A. VCF-style: chr6-143479114-G-A. GRCh37 (hg19) VCF-style: chr6-143800251-G-A.
Other names: c.857G>A (NM_003630.2); short protein forms R286Q.
Identifiers: ClinVar variation 1980433 (VCV001980433.3), dbSNP rs1176911685, ClinGen allele CA365886078.

ClinVar aggregate classification (germline): Uncertain significance. Review status: criteria provided, multiple submitters, no conflicts (2 of 4 stars). 2 submissions from 2 submitters: Uncertain significance (2). Last evaluated 2026-08-20.

Conditions:
PEX3-related disorder. Also called: PEX3-related condition.

Allele frequency attached by ClinVar (database versions not stated): gnomAD 0.00001; gnomAD exomes 0.00001.

Submissions (2):

PreventionGenetics, part of Exact Sciences
Classification: Uncertain significance for PEX3-related condition. Last evaluated: 2026-08-20. Review status: criteria provided, single submitter. Criteria: ACMG Guidelines, 2015. Collection method: clinical testing. Allele origin: germline.
Comment: The PEX3 c.857G>A variant is predicted to result in the amino acid substitution p.Arg286Gln. To our knowledge, this variant has not been reported in the literature. This variant is reported in 0.0033% of alleles in individuals of South Asian descent in gnomAD. At this time, the clinical significance of this variant is uncertain due to the absence of conclusive functional and genetic evidence.

Labcorp Genetics (formerly Invitae), Labcorp
Classification: Uncertain significance. Last evaluated: 2022-08-12. Review status: criteria provided, single submitter. Criteria: Invitae Variant Classification Sherloc (09022015). Collection method: clinical testing. Allele origin: germline.
Comment: In summary, the available evidence is currently insufficient to determine the role of this variant in disease. Therefore, it has been classified as a Variant of Uncertain Significance. Algorithms developed to predict the effect of sequence changes on RNA splicing suggest that this variant may disrupt the consensus splice site. Algorithms developed to predict the effect of missense changes on protein structure and function are either unavailable or do not agree on the potential impact of this missense change (SIFT: "Tolerated"; PolyPhen-2: "Probably Damaging"; Align-GVGD: "Class C0"). This variant has not been reported in the literature in individuals affected with PEX3-related conditions. This variant is present in population databases (no rsID available, gnomAD 0.003%). This sequence change replaces arginine, which is basic and polar, with glutamine, which is neutral and polar, at codon 286 of the PEX3 protein (p.Arg286Gln).